The following is an entry in ClinVar:

ClinVar aggregate classification (germline): Uncertain significance (1 of 4 stars; one submission).

Submission:

Labcorp Genetics (formerly Invitae), Labcorp
Classification: Uncertain significance. Last evaluated: 2025-05-05. Review status: criteria provided, single submitter. Criteria: Invitae Variant Classification Sherloc (09022015). Collection method: clinical testing. Allele origin: germline.
Comment: This sequence change replaces histidine, which is basic and polar, with tyrosine, which is neutral and polar, at codon 210 of the IMPDH1 protein (p.His210Tyr). This variant is not present in population databases (gnomAD no frequency). This variant has not been reported in the literature in individuals affected with IMPDH1-related conditions. An algorithm developed to predict the effect of missense changes on protein structure and function (PolyPhen-2) suggests that this variant is likely to be disruptive. In summary, the available evidence is currently insufficient to determine the role of this variant in disease. Therefore, it has been classified as a Variant of Uncertain Significance.

NM_000883.4(IMPDH1):c.628C>T (p.His210Tyr)

Gene: IMPDH1 (inosine monophosphate dehydrogenase 1; minus strand). Cytogenetic location: 7q32.1.
Variant type: single nucleotide variant.
Coding change: c.628C>T on transcript NM_000883.4 (MANE Select); coding-DNA position 628, C replaced by T.
Protein change: p.His210Tyr; replaces histidine 210 with tyrosine.
Molecular consequence: missense variant.
Genome position (GRCh38, 1-based): chr7:128,400,491, G>A on the plus strand (C>T on the coding strand, the complement: IMPDH1 is on the minus strand). VCF-style: chr7-128400491-G-A. GRCh37 (hg19) VCF-style: chr7-128040545-G-A.
Other names: c.598C>T, p.His200Tyr (NM_001102605.2); c.373C>T, p.His125Tyr (NM_001142573.2); c.358C>T, p.His120Tyr (NM_001142574.2); c.298C>T, p.His100Tyr (NM_001142575.2); c.529C>T, p.His177Tyr (NM_001142576.2); c.421C>T, p.His141Tyr (NM_001304521.2); c.520C>T, p.His174Tyr (NM_183243.3); short protein forms H100Y, H120Y, H125Y, H141Y, H174Y, H177Y, H200Y, H210Y.
Identifiers: ClinVar variation 4805809 (VCV004805809.1).